The following is an entry in ClinVar:

ClinVar aggregate classification (germline): Likely benign. Review status: criteria provided, multiple submitters, no conflicts (2 of 4 stars). 2 submissions from 2 submitters: Likely benign (2). Last evaluated 2026-03-02.

Conditions:
DCTN1-related disorder. Also called: DCTN1-related condition.
Neuronopathy, distal hereditary motor, type 7B. Also called: Distal Hereditary Motor Neuronopathy Type 7B (dHMN7B); HMN VIIB; LOWER MOTOR NEURON DISEASE, DYNACTIN TYPE; NEURONOPATHY, DISTAL HEREDITARY MOTOR, HARDING TYPE VIIB; NEURONOPATHY, DISTAL HEREDITARY MOTOR, AUTOSOMAL DOMINANT 14; NEUROPATHY, DISTAL HEREDITARY MOTOR, HARDING TYPE VIIB. Identifiers: Orphanet 139589, MedGen C1843315, MONDO:0011879, OMIM 607641.
Amyotrophic lateral sclerosis type 1 (ALS1). Also called: AMYOTROPHIC LATERAL SCLEROSIS 1, FAMILIAL. Identifiers: Orphanet 803, MedGen C1862939, MONDO:0007103, OMIM 105400.
Perry syndrome. Also called: PARKINSONISM WITH ALVEOLAR HYPOVENTILATION AND MENTAL DEPRESSION. Identifiers: Orphanet 178509, MedGen C1868594, MONDO:0008201, OMIM 168605.

Allele frequency attached by ClinVar (database versions not stated): gnomAD exomes 0.00002; ExAC 0.00003; ESP Exome Variant Server 0.00008; gnomAD 0.00009 and 0.00011; TOPMed 0.00011.
gnomAD v4.1: 25 of 1,614,020 alleles (0.0015%); highest among the groups gnomAD compares: African/African-American, 0.028%; no homozygotes.

Submissions (2):

PreventionGenetics, part of Exact Sciences
Classification: Likely benign for DCTN1-related condition. Last evaluated: 2026-03-02. Review status: criteria provided, single submitter. Criteria: ACMG Guidelines, 2015. Collection method: clinical testing. Allele origin: germline.
Comment: This variant is classified as likely benign based on ACMG/AMP sequence variant interpretation guidelines (Richards et al. 2015 PMID: 25741868, with internal and published modifications).

Labcorp Genetics (formerly Invitae), Labcorp
Classification: Likely benign for Amyotrophic lateral sclerosis type 1; Neuronopathy, distal hereditary motor, type 7B; Perry syndrome. Last evaluated: 2025-05-28. Review status: criteria provided, single submitter. Criteria: Invitae Variant Classification Sherloc (09022015). Collection method: clinical testing. Allele origin: germline.

NM_004082.5(DCTN1):c.2967G>A (p.Glu989=)

Gene: DCTN1 (dynactin subunit 1; minus strand). Cytogenetic location: 2p13.1.
Variant type: single nucleotide variant.
Coding change: c.2967G>A on transcript NM_004082.5 (MANE Select); coding-DNA position 2967, G replaced by A.
Protein change: p.Glu989=; no amino-acid change (glutamic acid 989 retained).
Molecular consequence: synonymous variant. On other transcripts: non-coding transcript variant (1).
Genome position (GRCh38, 1-based): chr2:74,365,577, C>T on the plus strand (G>A on the coding strand, the complement: DCTN1 is on the minus strand). VCF-style: chr2-74365577-C-T. GRCh37 (hg19) VCF-style: chr2-74592704-C-T.
Other names: c.2907G>A, p.Glu969= (NM_001135040.3); c.2565G>A, p.Glu855= (NM_001135041.3, NM_023019.4); c.2856G>A, p.Glu952= (NM_001190836.2); c.2946G>A, p.Glu982= (NM_001190837.2); c.2916G>A, p.Glu972= (NM_001378991.1); c.2898G>A, p.Glu966= (NM_001378992.1).
Identifiers: ClinVar variation 704600 (VCV000704600.9), dbSNP rs372554051, ClinGen allele CA1721664.